The following is an entry in ClinVar:

ClinVar aggregate classification (germline): Uncertain significance (1 of 4 stars; one submission).

Allele frequency attached by ClinVar (database versions not stated): ExAC 0.00001; gnomAD 0.00003; TOPMed 0.00003; ESP Exome Variant Server 0.00008.
gnomAD v4.1: 15 of 1,502,336 alleles (0.001%); highest among the groups gnomAD compares: African/African-American, 0.0083%; 1 homozygote.

Submission:

Labcorp Genetics (formerly Invitae), Labcorp
Classification: Uncertain significance. Last evaluated: 2022-10-24. Review status: criteria provided, single submitter. Criteria: Invitae Variant Classification Sherloc (09022015). Collection method: clinical testing. Allele origin: germline.
Comment: In summary, the available evidence is currently insufficient to determine the role of this variant in disease. Therefore, it has been classified as a Variant of Uncertain Significance. Variants that disrupt the consensus splice site are a relatively common cause of aberrant splicing (PMID: 17576681, 9536098). Algorithms developed to predict the effect of sequence changes on RNA splicing suggest that this variant is not likely to affect RNA splicing. This variant has not been reported in the literature in individuals affected with HMCN1-related conditions. This variant is present in population databases (rs375004486, gnomAD 0.009%). This sequence change falls in intron 33 of the HMCN1 gene. It does not directly change the encoded amino acid sequence of the HMCN1 protein. It affects a nucleotide within the consensus splice site.

Literature cited by the submitters: PubMed 17576681; PubMed 9536098.

NM_031935.3(HMCN1):c.5300+6G>C

Gene: HMCN1 (hemicentin 1; plus strand). Cytogenetic location: 1q31.1.
Variant type: single nucleotide variant.
Coding change: c.5300+6G>C on transcript NM_031935.3 (MANE Select); 6 bases into the intron after coding-DNA position 5300, G replaced by C.
Molecular consequence: intron variant.
Genome position (GRCh38, 1-based): chr1:186,017,077, G>C. VCF-style: chr1-186017077-G-C. GRCh37 (hg19) VCF-style: chr1-185986209-G-C.
Identifiers: ClinVar variation 2187639 (VCV002187639.4), dbSNP rs375004486, ClinGen allele CA1292219.